The following is an entry in ClinVar:

NM_001197104.2(KMT2A):c.6380G>A (p.Arg2127Gln)

Gene: KMT2A (lysine methyltransferase 2A; plus strand). Cytogenetic location: 11q23.3.
Variant type: single nucleotide variant.
Coding change: c.6380G>A on transcript NM_001197104.2 (MANE Select); coding-DNA position 6380, G replaced by A.
Protein change: p.Arg2127Gln; replaces arginine 2127 with glutamine.
Molecular consequence: missense variant.
Genome position (GRCh38, 1-based): chr11:118,501,732, G>A. VCF-style: chr11-118501732-G-A. GRCh37 (hg19) VCF-style: chr11-118372447-G-A.
Other names: c.6470G>A, p.Arg2157Gln (NM_001412597.1); c.6371G>A, p.Arg2124Gln (NM_005933.4); short protein forms R2124Q, R2127Q, R2157Q.
Identifiers: ClinVar variation 3620176 (VCV003620176.2).
Genomic context (GRCh38, chr11:118,501,732, plus strand): 5'-AAAGTTCATCAAAAGAGAGTCAAAACACAGCTGAAATTATAAGTCCTCCATCACCAGACC[G>A]ACCTCCTCATTCACAAACCTCTGGCTCCTGTTATTATCATGTCATCTCAAAGGTCCCCAG-3'
Protein context (NP_001184033.1, residues 2117-2137): AEIISPPSPD[Arg2127Gln]PPHSQTSGSC

ClinVar aggregate classification (germline): Uncertain significance (1 of 4 stars; one submission).

gnomAD v4.1: 16 of 1,613,780 alleles (0.00099%); highest among the groups gnomAD compares: South Asian, 0.0077%; no homozygotes.

Submission:

Labcorp Genetics (formerly Invitae), Labcorp
Classification: Uncertain significance. Last evaluated: 2025-06-16. Review status: criteria provided, single submitter. Criteria: Invitae Variant Classification Sherloc (09022015). Collection method: clinical testing. Allele origin: germline.
Comment: This sequence change replaces arginine, which is basic and polar, with glutamine, which is neutral and polar, at codon 2127 of the KMT2A protein (p.Arg2127Gln). This variant is present in population databases (rs782001089, gnomAD 0.01%). This missense change has been observed in individual(s) with developmental disorder (PMID: 33057194, 35982159). ClinVar contains an entry for this variant (Variation ID: 3620176). Invitae Evidence Modeling of protein sequence and biophysical properties (such as structural, functional, and spatial information, amino acid conservation, physicochemical variation, residue mobility, and thermodynamic stability) indicates that this missense variant is not expected to disrupt KMT2A protein function with a negative predictive value of 95%. In summary, the available evidence is currently insufficient to determine the role of this variant in disease. Therefore, it has been classified as a Variant of Uncertain Significance.

Literature cited by the submitters: PubMed 33057194; PubMed 35982159.